The following is an entry in ClinVar:

NM_006648.4(WNK2):c.1721A>G (p.Gln574Arg)

Gene: WNK2 (WNK lysine deficient protein kinase 2; plus strand). Cytogenetic location: 9q22.31.
Variant type: single nucleotide variant.
Coding change: c.1721A>G on transcript NM_006648.4 (MANE Select); coding-DNA position 1721, A replaced by G.
Protein change: p.Gln574Arg; replaces glutamine 574 with arginine.
Molecular consequence: missense variant.
Genome position (GRCh38, 1-based): chr9:93,247,721, A>G. VCF-style: chr9-93247721-A-G. GRCh37 (hg19) VCF-style: chr9-96010003-A-G.
Other names: c.1721A>G, p.Gln574Arg (NM_001282394.3); short protein forms Q574R.
Identifiers: ClinVar variation 3817111 (VCV003817111.1).

ClinVar aggregate classification (germline): Uncertain significance (1 of 4 stars; one submission).

Submission:

Ambry Genetics
Classification: Uncertain significance. Last evaluated: 2025-02-20. Review status: criteria provided, single submitter. Criteria: Ambry Variant Classification Scheme 2023. Collection method: clinical testing. Allele origin: germline.
Comment: The p.Q574R variant (also known as c.1721A>G), located in coding exon 7 of the WNK2 gene, results from an A to G substitution at nucleotide position 1721. The glutamine at codon 574 is replaced by arginine, an amino acid with highly similar properties. This amino acid position is conserved. In addition, this alteration is predicted to be tolerated by in silico analysis. Based on the available evidence, the clinical significance of this variant remains unclear.